The following is an entry in ClinVar:

ClinVar aggregate classification (germline): Likely benign (1 of 4 stars; one submission).

gnomAD v4.1: 1 of 152,010 alleles (0.00066%); highest among the groups gnomAD compares: Non-Finnish European, 0.0015%; no homozygotes.

Submission:

CeGaT Center for Human Genetics Tuebingen
Classification: Likely benign. Last evaluated: 2024-10-01. Review status: criteria provided, single submitter. Criteria: CeGaT Center For Human Genetics Tuebingen Variant Classification Criteria Version 2. Collection method: clinical testing. Allele origin: germline. Affected: yes. Observed: 1 variant allele.
Comment: DAPL1: BP4, BP7

NM_001017920.3(DAPL1):c.207+619A>G

Gene: DAPL1 (death associated protein like 1; plus strand). Cytogenetic location: 2q24.1.
Variant type: single nucleotide variant.
Coding change: c.207+619A>G on transcript NM_001017920.3 (MANE Select); 619 bases into the intron after coding-DNA position 207, A replaced by G.
Molecular consequence: intron variant.
Genome position (GRCh38, 1-based): chr2:158,807,734, A>G. VCF-style: chr2-158807734-A-G. GRCh37 (hg19) VCF-style: chr2-159664246-A-G.
Identifiers: ClinVar variation 3388453 (VCV003388453.14).